The following is an entry in ClinVar:

NM_005144.5(HR):c.2455C>T (p.Arg819Ter)

Gene: HR (HR lysine demethylase and nuclear receptor corepressor; minus strand). Cytogenetic location: 8p21.3.
Variant type: single nucleotide variant.
Coding change: c.2455C>T on transcript NM_005144.5 (MANE Select); coding-DNA position 2455, C replaced by T.
Protein change: p.Arg819Ter; replaces arginine 819 with a stop codon.
Molecular consequence: nonsense.
Genome position (GRCh38, 1-based): chr8:22,120,871, G>A on the plus strand (C>T on the coding strand, the complement: HR is on the minus strand). VCF-style: chr8-22120871-G-A. GRCh37 (hg19) VCF-style: chr8-21978384-G-A.
Other names: c.2455C>T, p.Arg819Ter (NM_018411.4); short protein forms R819*.
Identifiers: ClinVar variation 2136646 (VCV002136646.5), dbSNP rs1162759892, ClinGen allele CA370519009.

ClinVar aggregate classification (germline): Pathogenic/Likely pathogenic. Review status: criteria provided, multiple submitters, no conflicts (2 of 4 stars). 2 submissions from 2 submitters: Pathogenic (1); Likely pathogenic (1). Last evaluated 2022-03-12.

Conditions:
HR-related disorder. Also called: HR-related condition; HR-related disorders. Identifiers: MedGen CN239293.

Allele frequency attached by ClinVar (database versions not stated): TOPMed 0.00001.
gnomAD v4.1: 15 of 1,552,570 alleles (0.00097%); highest among the groups gnomAD compares: Non-Finnish European, 0.0012%; no homozygotes.

Submissions (2):

Labcorp Genetics (formerly Invitae), Labcorp
Classification: Pathogenic. Last evaluated: 2022-03-12. Review status: criteria provided, single submitter. Criteria: Invitae Variant Classification Sherloc (09022015). Collection method: clinical testing. Allele origin: germline.
Comment: For these reasons, this variant has been classified as Pathogenic. This premature translational stop signal has been observed in individual(s) with atrichia with papular lesions (PMID: 21919222). This variant is present in population databases (no rsID available, gnomAD 0.003%). This sequence change creates a premature translational stop signal (p.Arg819*) in the HR gene. It is expected to result in an absent or disrupted protein product. Loss-of-function variants in HR are known to be pathogenic (PMID: 17869066, 18164595).

Blueprint Genetics
Classification: Likely pathogenic for HR-related disorders. Last evaluated: 2018-11-15. Review status: criteria provided, single submitter. Criteria: ACMG Guidelines, 2015. Collection method: clinical testing. Allele origin: germline. Affected: yes. Observed: 2 variant alleles.

Literature cited by the submitters: PubMed 21919222 (cited by Labcorp Genetics (formerly Invitae), Labcorp); PubMed 17869066 (cited by Labcorp Genetics (formerly Invitae), Labcorp); PubMed 18164595 (cited by Labcorp Genetics (formerly Invitae), Labcorp).